The following is an entry in ClinVar:

ClinVar aggregate classification (germline): Uncertain significance (1 of 4 stars; one submission).

Conditions:
Ehlers-Danlos syndrome, type 4 (EDSVASC). Also called: Ehlers-Danlos syndrome vascular type; Ehlers Danlos syndrome, ecchymotic type; Ehlers Danlos syndrome, arterial type; Ehlers Danlos syndrome, Sack-Barabas type; Ehlers-Danlos Syndrome Type IV. Identifiers: Orphanet 286, MedGen C0268338, MONDO:0017314, OMIM 130050.

Submission:

Labcorp Genetics (formerly Invitae), Labcorp
Classification: Uncertain significance for Ehlers-Danlos syndrome, type 4. Last evaluated: 2024-08-24. Review status: criteria provided, single submitter. Criteria: Invitae Variant Classification Sherloc (09022015). Collection method: clinical testing. Allele origin: germline.
Comment: This sequence change affects codon 1059 of the COL3A1 mRNA. It is a 'silent' change, meaning that it does not change the encoded amino acid sequence of the COL3A1 protein. This variant is not present in population databases (gnomAD no frequency). This variant has not been reported in the literature in individuals affected with COL3A1-related conditions. Algorithms developed to predict the effect of sequence changes on RNA splicing suggest that this variant may disrupt the consensus splice site. In summary, the available evidence is currently insufficient to determine the role of this variant in disease. Therefore, it has been classified as a Variant of Uncertain Significance.

NM_000090.4(COL3A1):c.3177A>T (p.Gly1059=)

Gene: COL3A1 (collagen type III alpha 1 chain; plus strand). Cytogenetic location: 2q32.2.
Variant type: single nucleotide variant.
Coding change: c.3177A>T on transcript NM_000090.4 (MANE Select); coding-DNA position 3177, A replaced by T.
Protein change: p.Gly1059=; no amino-acid change (glycine 1059 retained).
Molecular consequence: synonymous variant.
Genome position (GRCh38, 1-based): chr2:189,006,428, A>T. VCF-style: chr2-189006428-A-T. GRCh37 (hg19) VCF-style: chr2-189871154-A-T.
Identifiers: ClinVar variation 3663370 (VCV003663370.2).